The following is an entry in ClinVar:

NM_152564.5(VPS13B):c.5088G>A (p.Val1696=)

Gene: VPS13B (vacuolar protein sorting 13 homolog B; plus strand). Cytogenetic location: 8q22.2.
Variant type: single nucleotide variant.
Coding change: c.5088G>A on transcript NM_152564.5 (MANE Select); coding-DNA position 5088, G replaced by A.
Protein change: p.Val1696=; no amino-acid change (valine 1696 retained).
Molecular consequence: synonymous variant.
Genome position (GRCh38, 1-based): chr8:99,577,501, G>A. VCF-style: chr8-99577501-G-A. GRCh37 (hg19) VCF-style: chr8-100589729-G-A.
Other names: c.5088G>A (NM_152564.4); c.5163G>A, p.Val1721= (NM_017890.5).
Identifiers: ClinVar variation 1129398 (VCV001129398.11), dbSNP rs1201956279, ClinGen allele CA462449032.

ClinVar aggregate classification (germline): Likely benign. Review status: criteria provided, single submitter (1 of 4 stars). 2 submissions from 2 submitters: Likely benign (1). 1 of the submissions does not count toward it. Last evaluated 2024-06-23.

Conditions:
VPS13B-related disorder. Also called: VPS13B-related condition.
Cohen syndrome (COH1). Also called: Cutis verticis gyrata, retinitis pigmentosa, and sensorineural deafness; PEPPER SYNDROME. Identifiers: Orphanet 193, MedGen C0265223, MONDO:0008999, OMIM 216550.

Allele frequency attached by ClinVar (database versions not stated): gnomAD exomes below 0.00001; gnomAD 0.00001.
gnomAD v4.1: 5 of 1,613,652 alleles (0.00031%); highest among the groups gnomAD compares: South Asian, 0.0022%; no homozygotes.

Submissions (2):

Labcorp Genetics (formerly Invitae), Labcorp
Classification: Likely benign for Cohen syndrome. Last evaluated: 2024-06-23. Review status: criteria provided, single submitter. Criteria: Invitae Variant Classification Sherloc (09022015). Collection method: clinical testing. Allele origin: germline.

PreventionGenetics, part of Exact Sciences
Classification: Likely benign for VPS13B-related condition. Last evaluated: 2023-09-15. Review status: no assertion criteria provided. Collection method: clinical testing. Allele origin: germline. Not counted in ClinVar's aggregate classification.
Comment: This variant is classified as likely benign based on ACMG/AMP sequence variant interpretation guidelines (Richards et al. 2015 PMID: 25741868, with internal and published modifications).